The following is an entry in ClinVar:

ClinVar aggregate classification (germline): Uncertain significance (1 of 4 stars; one submission).

Allele frequency attached by ClinVar (database versions not stated): gnomAD 0.00002; TOPMed 0.00004.
gnomAD v4.1: 14 of 1,613,824 alleles (0.00087%); highest among the groups gnomAD compares: Admixed American, 0.005%; no homozygotes.

Submission:

Labcorp Genetics (formerly Invitae), Labcorp
Classification: Uncertain significance. Last evaluated: 2026-01-12. Review status: criteria provided, single submitter. Criteria: Invitae Variant Classification Sherloc (09022015). Collection method: clinical testing. Allele origin: germline.
Comment: This sequence change replaces valine, which is neutral and non-polar, with isoleucine, which is neutral and non-polar, at codon 1496 of the CEP250 protein (p.Val1496Ile). This variant is present in population databases (no rsID available, gnomAD 0.006%). This variant has not been reported in the literature in individuals affected with CEP250-related conditions. ClinVar contains an entry for this variant (Variation ID: 1913479). An algorithm developed to predict the effect of missense changes on protein structure and function (PolyPhen-2) suggests that this variant is likely to be tolerated. In summary, the available evidence is currently insufficient to determine the role of this variant in disease. Therefore, it has been classified as a Variant of Uncertain Significance.

NM_007186.6(CEP250):c.4486G>A (p.Val1496Ile)

Gene: CEP250 (centrosomal protein 250; plus strand). Cytogenetic location: 20q11.22.
Variant type: single nucleotide variant.
Coding change: c.4486G>A on transcript NM_007186.6 (MANE Select); coding-DNA position 4486, G replaced by A.
Protein change: p.Val1496Ile; replaces valine 1496 with isoleucine.
Molecular consequence: missense variant.
Genome position (GRCh38, 1-based): chr20:35,502,855, G>A. VCF-style: chr20-35502855-G-A. GRCh37 (hg19) VCF-style: chr20-34090683-G-A.
Other names: c.2590G>A, p.Val864Ile (NM_001318219.1); short protein forms V1496I, V864I.
Identifiers: ClinVar variation 1913479 (VCV001913479.5), dbSNP rs867147471, ClinGen allele CA314159886.
Genomic context (GRCh38, chr20:35,502,855, plus strand): 5'-CAAGAACAGATTCAGGAGCTAGAGAAGTGTAGGTCTGTTTTAGAGCATCTGCCCATGGCC[G>A]TCCAGGAGCGAGAGCAGAAGCTGACTGTGCAGAGGGAGCAGATCAGAGAGCTCGAGAAGG-3'
Protein context (NP_009117.2, residues 1486-1506): RSVLEHLPMA[Val1496Ile]QEREQKLTVQ